The following is an entry in ClinVar:

NM_000203.5(IDUA):c.1037T>G (p.Leu346Arg)

Gene: IDUA (alpha-L-iduronidase; plus strand). Cytogenetic location: 4p16.3.
Variant type: single nucleotide variant.
Coding change: c.1037T>G on transcript NM_000203.5 (MANE Select); coding-DNA position 1037, T replaced by G.
Protein change: p.Leu346Arg; replaces leucine 346 with arginine.
Molecular consequence: missense variant. On other transcripts: non-coding transcript variant (1).
Genome position (GRCh38, 1-based): chr4:1,002,333, T>G. VCF-style: chr4-1002333-T-G. GRCh37 (hg19) VCF-style: chr4-996121-T-G.
Other names: NM_000203.5(IDUA):c.1037T>G; c.641T>G, p.Leu214Arg (NM_001363576.1); short protein forms L346R, L214R.
Identifiers: ClinVar variation 11927 (VCV000011927.26), dbSNP rs121965033, ClinGen allele CA256128.

ClinVar aggregate classification (germline): Pathogenic. Review status: reviewed by expert panel (3 of 4 stars). 10 submissions from 9 submitters: Pathogenic (1). 9 of the submissions do not count toward it. Last evaluated 2026-07-10.

Conditions:
IDUA-related disorder. Also called: IDUA-related condition.
Mucopolysaccharidosis type 1. Also called: IDUA deficiency; MPS I; Mucopolysaccharidosis Type I. Identifiers: Orphanet 579, MedGen C0023786, MONDO:0001586.
Mucopolysaccharidosis, MPS-I-S. Also called: MPS V; MUCOPOLYSACCHARIDOSIS TYPE V; MUCOPOLYSACCHARIDOSIS TYPE IS; Scheie Syndrome. Identifiers: Orphanet 93474, MedGen C0026708, MONDO:0011760, OMIM 607016.
Hurler syndrome. Also called: MUCOPOLYSACCHARIDOSIS TYPE IH; Gargoylism, Hurler Syndrome; Severe MPS I (Hurler Syndrome). Identifiers: Orphanet 93473, MedGen C0086795, MONDO:0011758, OMIM 607014.
Mucopolysaccharidosis, MPS-I-H/S. Also called: Mucopolysaccharidosis type IH/S. Identifiers: Orphanet 93476, MedGen C0086431, MONDO:0011759, OMIM 607015.

Allele frequency attached by ClinVar (database versions not stated): ExAC 0.00001; gnomAD exomes below 0.00001.

Submissions (10):

ClinGen Lysosomal Storage Disorder Variant Curation Expert Panel
Classification: Pathogenic for Mucopolysaccharidosis type 1. Last evaluated: 2026-07-10. Review status: reviewed by expert panel. Criteria: ClinGen LSD ACMG Specifications IDUA V1.2.0. Collection method: curation. Allele origin: germline. Inheritance: Autosomal recessive inheritance.
Comment: The NM_000203.5:c.1037T>G variant in IDUA is a missense variant predicted to cause substitution of leucine by arginine at amino acid 346 (p.Leu346Arg). At least 13 patients are compound heterozygous for the variant and another variant in IDUA that has been classified as pathogenic or likely pathogenic for MPS I by the ClinGen LD VCEP: c.1210G>T (P by LD VCEP, confirmed in trans, 1 point, PMID: 21480867), c.2T>C (ClinVarID: 639529) (P by LD VCEP, confirmed in trans, 1 point, PMID: 21480867), c.159C>A (ClinVarID: 1458768) (P by LD VCEP, confirmed in trans, 1 point, PMID: 21480867), c.300-3C>G (ClinVarID: 551563) (P by LD VCEP, confirmed in trans, 1 point, PMID: 10735634), c.613_617dup (ClinVar Variation ID: 11921) (P by LD VCEP, phase unconfirmed, 1 point, PMID: 15521993), and c.1091C>T (p.Thr364Met) (ClinVar Variation ID: 11925) (P by LD VCEP, phase unconfirmed, 0.5 points, PMID: 30409495, 39645522, 34573925, 29801497). At least 4 probands are homozygous for the variant; 1 point (PMID: 21480867, 27520059). Additional individuals who are compound heterozygous for the variant and another variant in IDUA have been reported. The allelic data from these patients will be used in the classification of the second variants and is not included here to avoid circular logic (PMID: 21480867, 21624210, 31758674). Total 6.5 points (PM3_Very Strong). At least 15 patients with this variant had documented IDUA deficiency within the affected range in leukocytes, urinary GAGs above the normal range, or clinical features specific to MPS I including hepatosplenomegaly, corneal involvement, skeletal and cardiac abnormalities (PMID: 10735634, 27520059, 29801497) (PP4_Moderate). This variant is absent in gnomAD v4.1.0 (PM2_Supporting). The computational predictor REVEL gives a score of 0.962 which is above the threshold of 0.773, evidence that correlates with impact to IDUA function at the moderate level based on the specifications of the ClinGen Lysosomal Diseases VCEP (PMID: 36413997) (PP3_Moderate). When expressed in COS-7 cells, the variant resulted in 0.4% of wild type expression (PMID: 10735634) (PS3_Supporting). In summary, this variant meets the criteria to be classified as pathogenic for MPS I based on the IDUA-specific ACMG/AMP criteria applied, as specified by the ClinGen Lysosomal Diseases Variant Curation Expert Panel (Specifications Version 1.2.0): PM3_VeryStrong, PP4_Moderate, PP3_Moderate, PM2_Supporting, PS3_Supporting (Classification approved by the ClinGen Lysosomal Diseases Variant Curation Expert Panel on July 10, 2026)

3billion
Classification: Pathogenic for IDUA-related disorder. Last evaluated: 2025-09-23. Review status: criteria provided, single submitter. Criteria: ACMG Guidelines, 2015. Collection method: clinical testing. Allele origin: germline. Affected: yes. Not counted in ClinVar's aggregate classification.
Comment: The variant is not observed in the gnomAD v4.1.0 dataset. Predicted Consequence/Location: Missense variant In silico tool predictions suggest damaging effect of the variant on gene or gene product [REVEL: 0.96 (>=0.6, sensitivity 0.68 and specificity 0.92); 3Cnet: 0.81 (> 0.75, sensitivity 0.96 and precision 0.92)]. The same nucleotide change resulting in the same amino acid change has been previously reported as pathogenic/likely pathogenic with strong evidence (ClinVar ID: VCV000011927 /PMID: 10735634). The variant has been reported to be in trans with a pathogenic variant as either compound heterozygous or homozygous in at least 2 similarly affected unrelated individuals (PMID: 21480867, 29801497). Therefore, this variant is classified as Pathogenic according to the recommendation of ACMG/AMP guideline.

Natera, Inc.
Classification: Pathogenic for Mucopolysaccharidosis type I. Last evaluated: 2024-04-18. Review status: criteria provided, single submitter. Criteria: Natera Variant Classification Schema (03/2026). Collection method: clinical testing. Allele origin: germline. Not counted in ClinVar's aggregate classification.
Comment: The c.1037T>G variant in IDUA is a missense variant predicted to cause substitution of leucine to arginine at amino acid 346. This variant is rare in the general population with a frequency below the threshold expected for the associated phenotype(s). This variant has been observed in one or more individuals affected with the associated recessive disease, as either homozygous or compound heterozygous with a second variant (PMID: 21480867). Computational prediction algorithms indicate this variant is likely to affect gene or protein function. Given the available evidence, this variant is classified as Pathogenic.

Fulgent Genetics
Classification: Pathogenic for Hurler syndrome; Mucopolysaccharidosis, MPS-I-H/S; Mucopolysaccharidosis, MPS-I-S. Last evaluated: 2024-01-24. Review status: criteria provided, single submitter. Criteria: ACMG Guidelines, 2015. Collection method: clinical testing. Allele origin: germline. Not counted in ClinVar's aggregate classification.

Labcorp Genetics (formerly Invitae), Labcorp
Classification: Pathogenic for Mucopolysaccharidosis type 1. Last evaluated: 2024-01-02. Review status: criteria provided, single submitter. Criteria: Invitae Variant Classification Sherloc (09022015). Collection method: clinical testing. Allele origin: germline. Not counted in ClinVar's aggregate classification.
Comment: This sequence change replaces leucine, which is neutral and non-polar, with arginine, which is basic and polar, at codon 346 of the IDUA protein (p.Leu346Arg). This variant is present in population databases (rs121965033, gnomAD 0.006%). This missense change has been observed in individual(s) with mucopolysaccharidosis type I (PMID: 10735634, 15521993, 21480867, 21624210, 29801497). In at least one individual the data is consistent with being in trans (on the opposite chromosome) from a pathogenic variant. It is commonly reported in individuals of East Asian ancestry (PMID: 10735634, 15521993, 21480867, 21624210, 29801497). ClinVar contains an entry for this variant (Variation ID: 11927). Advanced modeling of protein sequence and biophysical properties (such as structural, functional, and spatial information, amino acid conservation, physicochemical variation, residue mobility, and thermodynamic stability) performed at Invitae indicates that this missense variant is expected to disrupt IDUA protein function with a positive predictive value of 95%. Experimental studies have shown that this missense change affects IDUA function (PMID: 10735634). For these reasons, this variant has been classified as Pathogenic.

Broad Center for Mendelian Genomics, Broad Institute of MIT and Harvard
Classification: Pathogenic for Mucopolysaccharidosis type 1. Last evaluated: 2020-01-14. Review status: criteria provided, single submitter. Criteria: ACMG Guidelines, 2015. Collection method: curation. Allele origin: germline. Inheritance: Autosomal recessive inheritance. Not counted in ClinVar's aggregate classification.
Comment: The p.Leu346Arg variant in IDUA has been reported in at least 19 individuals with mucopolysaccharidosis (MPS) (PMID: 10735634, 21480867, 27520059) and has been identified in 0.006% (1/18160) of East Asian chromosomes by the Genome Aggregation Database (gnomAD; dbSNP rs121965033). Although this variant has been seen in the general population, its frequency is low enough to be consistent with a recessive carrier frequency. This variant has also been reported in ClinVar (VariationID: 11927) as pathogenic by Counsyl and OMIM. In vitro functional studies provide some evidence that the p.Leu346Arg variant may impact protein function (PMID: 10735634). However, these types of assays may not accurately represent biological function. Computational prediction tools and conservation analyses suggest that this variant may impact the protein, though this information is not predictive enough to determine pathogenicity. The phenotype of individuals compound heterozygous for this variant is highly specific for MPS based on alpha-L-iduronidase activity being <1% consistent with disease (PMID: 21480867). The presence of this variant in 4 affected homozygotes and in combination with reported pathogenic or likely pathogenic variants in 5 individuals with MPS1 increases the likelihood that the p.Leu346Arg variant is pathogenic (VariationID: 551563, 11921; PMID: 10735634, 21480867, 27520059). In summary, this variant meets criteria to be classified as pathogenic for MPS in an autosomal recessive manner based on the presence of the variant in the homozygous state and in combination with other pathogenic variants in individuals with MPS, functional studies, and the phenotype of individuals with the variant being highly specific for MPS. ACMG/AMP Criteria applied: PM3_very-strong, PS3, PM2, PP3, PP4 (Richards 2015).

Juno Genomics, Hangzhou Juno Genomics, Inc
Classification: Pathogenic for Hurler syndrome; Mucopolysaccharidosis, MPS-I-H/S; Mucopolysaccharidosis, MPS-I-S. Review status: criteria provided, single submitter. Criteria: ACMG Guidelines, 2015. Collection method: clinical testing. Allele origin: germline. Not counted in ClinVar's aggregate classification.
Comment: Absent from controls (or at extremely low frequency if recessive) in Genome Aggregation Database.;Well-established in vitro or in vivo functional studies supportive of a damaging effect on the gene or gene product.;For recessive disorders, detected in trans with a pathogenic variant.;Co-segregation with disease in multiple affected family members.

Counsyl
Classification: Pathogenic for Hurler syndrome. Last evaluated: 2017-11-02. Review status: no assertion criteria provided. Collection method: clinical testing. Allele origin: unknown. Not counted in ClinVar's aggregate classification.

OMIM
Classification: Pathogenic for HURLER-SCHEIE SYNDROME. Last evaluated: 2004-12-01. Review status: no assertion criteria provided. Collection method: literature only. Allele origin: germline. Not counted in ClinVar's aggregate classification.

OMIM
Classification: Pathogenic for HURLER SYNDROME. Last evaluated: 2004-12-01. Review status: no assertion criteria provided. Collection method: literature only. Allele origin: germline. Not counted in ClinVar's aggregate classification.

Literature cited by the submitters: PubMed 21480867 (cited by 5 submitters); PubMed 29801497 (cited by 3billion and Labcorp Genetics (formerly Invitae), Labcorp); PubMed 10735634 (cited by 5 submitters); PubMed 15521993 (cited by Labcorp Genetics (formerly Invitae), Labcorp and OMIM); PubMed 21624210 (cited by Labcorp Genetics (formerly Invitae), Labcorp); PubMed 27520059 (cited by Broad Center for Mendelian Genomics, Broad Institute of MIT and Harvard and Counsyl).